The following is an entry in ClinVar:

ClinVar aggregate classification (germline): Pathogenic. Review status: criteria provided, single submitter (1 of 4 stars). 2 submissions from 2 submitters: Pathogenic (1). 1 of the submissions does not count toward it. Last evaluated 2023-09-12.

Conditions:
Primary ciliary dyskinesia 33. Also called: CILIARY DYSKINESIA, PRIMARY, 33, WITHOUT SITUS INVERSUS. Identifiers: Orphanet 244, MedGen C4225230, MONDO:0014750, OMIM 616726.

Allele frequency attached by ClinVar (database versions not stated): gnomAD 0.00001; gnomAD exomes 0.00001 and 0.00004; ExAC 0.00003.
gnomAD v4.1: 14 of 1,613,894 alleles (0.00087%); highest among the groups gnomAD compares: Admixed American, 0.015%; no homozygotes.

Submissions (2):

Labcorp Genetics (formerly Invitae), Labcorp
Classification: Pathogenic for Primary ciliary dyskinesia 33. Last evaluated: 2023-09-12. Review status: criteria provided, single submitter. Criteria: Invitae Variant Classification Sherloc (09022015). Collection method: clinical testing. Allele origin: germline.
Comment: This premature translational stop signal has been observed in individual(s) with primary ciliary dyskinesia (PMID: 26387594, 27120127). ClinVar contains an entry for this variant (Variation ID: 219123). For these reasons, this variant has been classified as Pathogenic. This variant is present in population databases (rs755553133, gnomAD 0.03%). This sequence change creates a premature translational stop signal (p.Arg334*) in the GAS8 gene. It is expected to result in an absent or disrupted protein product. Loss-of-function variants in GAS8 are known to be pathogenic (PMID: 26387594).

OMIM
Classification: Pathogenic for CILIARY DYSKINESIA, PRIMARY, 33. Last evaluated: 2015-10-01. Review status: no assertion criteria provided. Collection method: literature only. Allele origin: germline. Not counted in ClinVar's aggregate classification.

Literature cited by the submitters: PubMed 26387594 (cited by Labcorp Genetics (formerly Invitae), Labcorp and OMIM); PubMed 27120127 (cited by Labcorp Genetics (formerly Invitae), Labcorp).

NM_001481.3(DRC4):c.1000C>T (p.Arg334Ter)

Gene: DRC4 (dynein regulatory complex subunit 4; plus strand). Cytogenetic location: 16q24.3.
Variant type: single nucleotide variant.
Coding change: c.1000C>T on transcript NM_001481.3 (MANE Select); coding-DNA position 1000, C replaced by T.
Protein change: p.Arg334Ter; replaces arginine 334 with a stop codon.
Molecular consequence: nonsense.
Genome position (GRCh38, 1-based): chr16:90,037,837, C>T. VCF-style: chr16-90037837-C-T. GRCh37 (hg19) VCF-style: chr16-90104245-C-T.
Other names: c.751C>T, p.Arg251Ter (NM_001286205.2); c.424C>T, p.Arg142Ter (NM_001286208.2); c.925C>T, p.Arg309Ter (NM_001286209.2); short protein forms R334*, R309*, R142*, R251*.
Identifiers: ClinVar variation 219123 (VCV000219123.2), dbSNP rs755553133, ClinGen allele CA280936.
Genomic context (GRCh38, chr16:90,037,837, plus strand): 5'-TTGAAAGTCAGGGAGAAAGAGCTGAAAGACCTGCAGTGGGAGCATGAAGTGTTAGAGCAG[C>T]GATTCACCAAGGTGAGTGGCACCACGCTGGCCCTGCAGTTGGCGGTGGGTGTTAGAGCAA-3'